The following is an entry in ClinVar:

NM_005993.5(TBCD):c.243G>A (p.Met81Ile)

Gene: TBCD (tubulin folding cofactor D). Cytogenetic location: 17q25.3.
Variant type: single nucleotide variant.
Coding change: c.243G>A on transcript NM_005993.5 (MANE Select); coding-DNA position 243, G replaced by A.
Protein change: p.Met81Ile; replaces methionine 81 with isoleucine.
Molecular consequence: missense variant.
Genome position (GRCh38, 1-based): chr17:82,763,972, G>A. VCF-style: chr17-82763972-G-A. GRCh37 (hg19) VCF-style: chr17-80721848-G-A.
Other names: c.192G>A, p.Met64Ile (NM_001411101.1); c.243G>A, p.Met81Ile (NM_001411102.1); short protein forms M64I, M81I.
Identifiers: ClinVar variation 2016491 (VCV002016491.4), dbSNP rs2510515869, ClinGen allele CA401625582.

ClinVar aggregate classification (germline): Uncertain significance (1 of 4 stars; one submission).

Submission:

Labcorp Genetics (formerly Invitae), Labcorp
Classification: Uncertain significance. Last evaluated: 2024-10-26. Review status: criteria provided, single submitter. Criteria: Invitae Variant Classification Sherloc (09022015). Collection method: clinical testing. Allele origin: germline.
Comment: This sequence change replaces methionine, which is neutral and non-polar, with isoleucine, which is neutral and non-polar, at codon 81 of the TBCD protein (p.Met81Ile). This variant is not present in population databases (gnomAD no frequency). This variant has not been reported in the literature in individuals affected with TBCD-related conditions. ClinVar contains an entry for this variant (Variation ID: 2016491). Invitae Evidence Modeling of protein sequence and biophysical properties (such as structural, functional, and spatial information, amino acid conservation, physicochemical variation, residue mobility, and thermodynamic stability) has been performed for this missense variant. However, the output from this modeling did not meet the statistical confidence thresholds required to predict the impact of this variant on TBCD protein function. In summary, the available evidence is currently insufficient to determine the role of this variant in disease. Therefore, it has been classified as a Variant of Uncertain Significance.